The following is an entry in ClinVar:

NM_007294.4(BRCA1):c.1833_1834insGCCGGGCGCGGTGGCTCACGCCTGTAATCCCAGCACTTTGGGAGGCCGAGGCGGGCGGATCACGAGGTCAGNNNNNNNNNNAAAAAAAAAAAAAAAAAAAAAAAAAGAATAGGCTG (p.Arg612delinsAlaGlyArgGlyGlySerArgLeuTer)

Gene: BRCA1 (BRCA1 DNA repair associated; minus strand). Cytogenetic location: 17q21.31.
Variant type: Insertion.
Coding change: c.1833_1834insGCCGGGCGCGGTGGCTCACGCCTGTAATCCCAGCACTTTGGGAGGCCGAGGCGGGCGGATCACGAGGTCAGNNNNNNNNNNAAAAAAAAAAAAAAAAAAAAAAAAAGAATAGGCTG on transcript NM_007294.4 (MANE Select); coding-DNA positions 1833 to 1834, GCCGGGCGCGGTGGCTCACGCCTGTAATCCCAGCACTTTGGGAGGCCGAGGCGGGCGGATCACGAGGTCAGNNNNNNNNNNAAAAAAAAAAAAAAAAAAAAAAAAAGAATAGGCTG inserted.
Protein change: p.Arg612delinsAlaGlyArgGlyGlySerArgLeuTer.
Molecular consequence: nonsense. On other transcripts: intron variant (137).
Genome position: GRCh38: chr17:43,093,712-43,093,713. GRCh37 (hg19): chr17:41,245,729-41,245,730.
Other names: c.1755_1756insGCCGGGCGCGGTGGCTCACGCCTGTAATCCCAGCACTTTGGGAGGCCGAGGCGGGCGGATCACGAGGTCAGNNNNNNNNNNAAAAAAAAAAAAAAAAAAAAAAAAAGAATAGGCTG, p.Arg586delinsAlaGlyArgGlyGlySerArgLeuTer (NM_001407663.1, NM_001407653.1, NM_001407654.1 and 4 more transcripts); c.1710_1711insGCCGGGCGCGGTGGCTCACGCCTGTAATCCCAGCACTTTGGGAGGCCGAGGCGGGCGGATCACGAGGTCAGNNNNNNNNNNAAAAAAAAAAAAAAAAAAAAAAAAAGAATAGGCTG, p.Arg571delinsAlaGlyArgGlyGlySerArgLeuTer (NM_001407664.1, NM_001407665.1, NM_001407666.1 and 19 more transcripts); c.646+1046_646+1047insAAAAAGAATAGGCTGGCCGGGCGCGGTGGCTCACGCCTGTAATCCCAGCACTTTGGGAGGCCGAGGCGGGCGGATCACGAGGTCAGNNNNNNNNNNAAAAAAAAAAAAAAAAAAAA (NM_001408467.1, NM_001408459.1, NM_001408458.1 and 11 more transcripts); c.583+1046_583+1047insAAAAAGAATAGGCTGGCCGGGCGCGGTGGCTCACGCCTGTAATCCCAGCACTTTGGGAGGCCGAGGCGGGCGGATCACGAGGTCAGNNNNNNNNNNAAAAAAAAAAAAAAAAAAAA (NM_001408475.1); c.709+1046_709+1047insAAAAAGAATAGGCTGGCCGGGCGCGGTGGCTCACGCCTGTAATCCCAGCACTTTGGGAGGCCGAGGCGGGCGGATCACGAGGTCAGNNNNNNNNNNAAAAAAAAAAAAAAAAAAAA (NM_001408412.1, NM_001408409.1, NM_001408414.1 and 2 more transcripts); c.451+1046_451+1047insAAAAAGAATAGGCTGGCCGGGCGCGGTGGCTCACGCCTGTAATCCCAGCACTTTGGGAGGCCGAGGCGGGCGGATCACGAGGTCAGNNNNNNNNNNAAAAAAAAAAAAAAAAAAAA (NM_001408509.1, NM_001408508.1); c.574+1046_574+1047insAAAAAGAATAGGCTGGCCGGGCGCGGTGGCTCACGCCTGTAATCCCAGCACTTTGGGAGGCCGAGGCGGGCGGATCACGAGGTCAGNNNNNNNNNNAAAAAAAAAAAAAAAAAAAA (NM_001408491.1, NM_001408493.1, NM_001408490.1); c.460+2148_460+2149insAAAAAGAATAGGCTGGCCGGGCGCGGTGGCTCACGCCTGTAATCCCAGCACTTTGGGAGGCCGAGGCGGGCGGATCACGAGGTCAGNNNNNNNNNNAAAAAAAAAAAAAAAAAAAA (NM_001408506.1, NM_001408507.1); and 40 more.
Identifiers: ClinVar variation 1452163 (VCV001452163.7), dbSNP rs2154418702.

ClinVar aggregate classification (germline): Pathogenic (1 of 4 stars; one submission).

Conditions:
Hereditary breast ovarian cancer syndrome. Also called: Hereditary breast and ovarian cancer; Hereditary breast and ovarian cancer syndrome (HBOC); Breast and ovarian cancer; Hereditary breast and ovarian cancer syndrome; Hereditary breast and/or ovarian cancer syndrome; BRCA1- and BRCA2-Associated Hereditary Breast and Ovarian Cancer. Identifiers: Orphanet 145, MedGen C0677776, MeSH D061325, MONDO:0003582. Disease mechanism: loss of function.

Submission:

Labcorp Genetics (formerly Invitae), Labcorp
Classification: Pathogenic for Hereditary breast ovarian cancer syndrome. Last evaluated: 2021-08-04. Review status: criteria provided, single submitter. Criteria: Invitae Variant Classification Sherloc (09022015). Collection method: clinical testing. Allele origin: germline.
Comment: This sequence change inserts a large fragment of DNA, likely a transposable element, in exon 10 of the BRCA1 gene (c.1833_1834ins?), causing a frameshift at codon 612 (p.Arg612fs). The exact size and sequence of the insertion cannot be determined by the current assay. However, the insertion is expected to result in an absent or disrupted protein product. This variant is not present in population databases (ExAC no frequency). This variant has not been reported in the literature in individuals affected with BRCA1-related conditions. Retrotransposon insertions including LINE1 (L1), Alu, and SVA (SINE-VNTR-Alu) have been reported to be disease-causing through disruption of either a coding region or splice site (PMID: 19763152, 20307669, 22406018) and loss-of-function variants in BRCA1 are known to be pathogenic (PMID: 20104584). For these reasons, this variant has been classified as Pathogenic.

Literature cited by the submitters: PubMed 19763152; PubMed 20307669; PubMed 22406018; PubMed 20104584.